The following is an entry in ClinVar:

ClinVar aggregate classification (germline): Benign/Likely benign. Review status: criteria provided, multiple submitters, no conflicts (2 of 4 stars). 2 submissions from 2 submitters: Benign (1); Likely benign (1). Last evaluated 2026-01-19.

Conditions:
Spermatogenic failure 18. Identifiers: MedGen C4539783, MONDO:0054615, OMIM 617576.
Ciliary dyskinesia, primary, 37 (CILD37). Also called: CILIARY DYSKINESIA, PRIMARY, 37, WITH OR WITHOUT SITUS INVERSUS. Identifiers: MedGen C4539798, MONDO:0033204, OMIM 617577.

Allele frequency attached by ClinVar (database versions not stated): 1000 Genomes Project 30x 0.00047; ESP Exome Variant Server 0.00048; TOPMed 0.00056; 1000 Genomes Project 0.00060; gnomAD exomes 0.00123 and 0.00262; gnomAD 0.00213 and 0.00221; ExAC 0.00260.
gnomAD v4.1: 2,150 of 1,613,154 alleles (0.13%); highest among the groups gnomAD compares: East Asian, 0.38%; 17 homozygotes.

Submissions (2):

Labcorp Genetics (formerly Invitae), Labcorp
Classification: Benign for Ciliary dyskinesia, primary, 37; Spermatogenic failure 18. Last evaluated: 2026-01-19. Review status: criteria provided, single submitter. Criteria: Invitae Variant Classification Sherloc (09022015). Collection method: clinical testing. Allele origin: germline.

CeGaT Center for Human Genetics Tuebingen
Classification: Likely benign. Last evaluated: 2022-04-01. Review status: criteria provided, single submitter. Criteria: CeGaT Center For Human Genetics Tuebingen Variant Classification Criteria Version 2. Collection method: clinical testing. Allele origin: germline. Affected: yes. Observed: 1 variant allele.
Comment: DNAH1: BP4, BP7

NM_015512.5(DNAH1):c.1287G>A (p.Ser429=)

Gene: DNAH1 (dynein axonemal heavy chain 1; plus strand). Cytogenetic location: 3p21.1.
Variant type: single nucleotide variant.
Coding change: c.1287G>A on transcript NM_015512.5 (MANE Select); coding-DNA position 1287, G replaced by A.
Protein change: p.Ser429=; no amino-acid change (serine 429 retained).
Molecular consequence: synonymous variant.
Genome position (GRCh38, 1-based): chr3:52,344,490, G>A. VCF-style: chr3-52344490-G-A. GRCh37 (hg19) VCF-style: chr3-52378506-G-A.
Identifiers: ClinVar variation 772191 (VCV000772191.33), dbSNP rs202217531, ClinGen allele CA2432944.